The following is an entry in ClinVar:

NM_003900.5(SQSTM1):c.800G>A (p.Arg267His)

Gene: SQSTM1 (sequestosome 1; plus strand). Cytogenetic location: 5q35.3.
Variant type: single nucleotide variant.
Coding change: c.800G>A on transcript NM_003900.5 (MANE Select); coding-DNA position 800, G replaced by A.
Protein change: p.Arg267His; replaces arginine 267 with histidine.
Molecular consequence: missense variant.
Genome position (GRCh38, 1-based): chr5:179,833,077, G>A. VCF-style: chr5-179833077-G-A. GRCh37 (hg19) VCF-style: chr5-179260077-G-A.
Other names: c.548G>A, p.Arg183His (NM_001142298.2, NM_001142299.2); short protein forms R183H, R267H.
Identifiers: ClinVar variation 475405 (VCV000475405.9), dbSNP rs149424705, ClinGen allele CA3600686.
Genomic context (GRCh38, chr5:179,833,077, plus strand): 5'-CTCCTCCGCCTCTAGGCATTGAAGTTGATATCGATGTGGAGCACGGAGGGAAAAGAAGCC[G>A]CCTGACCCCCGTCTCTCCAGAGAGTTCCAGCACAGAGGAGAAGAGCAGCTCACAGCCAAG-3'
Protein context (NP_003891.1, residues 257-277): IDVEHGGKRS[Arg267His]LTPVSPESSS

ClinVar aggregate classification (germline): Uncertain significance. Review status: criteria provided, multiple submitters, no conflicts (2 of 4 stars). 3 submissions from 3 submitters: Uncertain significance (3). Last evaluated 2026-02-01.

Conditions:
Paget disease of bone 2, early-onset (PDB2). Also called: Paget disease of bone 2. Identifiers: MedGen C4085251, MONDO:0011183, OMIM 602080.
Frontotemporal dementia and/or amyotrophic lateral sclerosis 1 (FTDALS1). Also called: C9orf72 Frontotemporal Dementia and/or Amyotrophic Lateral Sclerosis; Frontotemporal dementia with motor neuron disease 1. Identifiers: Orphanet 275872, MedGen C5779877, MONDO:0007105, OMIM 105550.
SQSTM1-related disorder. Also called: SQSTM1-Related Disorders.
Inborn genetic diseases. Identifiers: MedGen C0950123, MeSH D030342.

Allele frequency attached by ClinVar (database versions not stated): TOPMed 0.00005; gnomAD 0.00007; gnomAD exomes 0.00007 and 0.00010; ExAC 0.00008; ESP Exome Variant Server 0.00015.
gnomAD v4.1: 155 of 1,614,178 alleles (0.0096%); highest among the groups gnomAD compares: Non-Finnish European, 0.011%; no homozygotes.

Submissions (3):

Labcorp Genetics (formerly Invitae), Labcorp
Classification: Uncertain significance for Paget disease of bone 2, early-onset; Frontotemporal dementia and/or amyotrophic lateral sclerosis 1. Last evaluated: 2026-02-01. Review status: criteria provided, single submitter. Criteria: Invitae Variant Classification Sherloc (09022015). Collection method: clinical testing. Allele origin: germline.
Comment: This sequence change replaces arginine, which is basic and polar, with histidine, which is basic and polar, at codon 267 of the SQSTM1 protein (p.Arg267His). This variant is present in population databases (rs149424705, gnomAD 0.02%). This variant has not been reported in the literature in individuals affected with SQSTM1-related conditions. ClinVar contains an entry for this variant (Variation ID: 475405). Invitae Evidence Modeling of protein sequence and biophysical properties (such as structural, functional, and spatial information, amino acid conservation, physicochemical variation, residue mobility, and thermodynamic stability) indicates that this missense variant is not expected to disrupt SQSTM1 protein function with a negative predictive value of 80%. In summary, the available evidence is currently insufficient to determine the role of this variant in disease. Therefore, it has been classified as a Variant of Uncertain Significance.

PreventionGenetics, part of Exact Sciences
Classification: Uncertain significance for SQSTM1-related condition. Last evaluated: 2025-02-11. Review status: criteria provided, single submitter. Criteria: ACMG Guidelines, 2015. Collection method: clinical testing. Allele origin: germline.
Comment: The SQSTM1 c.800G>A variant is predicted to result in the amino acid substitution p.Arg267His. To our knowledge, this variant has not been reported in the literature in individuals with SQSTM1-related disorders. An alternate nucleotide change affecting the same amino acid (p.Arg267Cys) has been reported together with a variant in the DAO gene in a patient with amyotrophic lateral sclerosis (ALS, Table S3, Liu et al. 2021. PubMed ID: 34275688). This variant is reported in 0.016% of alleles in individuals of South Asian descent in gnomAD. At this time, the clinical significance of this variant is uncertain due to the absence of conclusive functional and genetic evidence.

Ambry Genetics
Classification: Uncertain significance for Inborn genetic diseases. Last evaluated: 2022-11-14. Review status: criteria provided, single submitter. Criteria: Ambry Variant Classification Scheme 2023. Collection method: clinical testing. Allele origin: germline.